The following is an entry in ClinVar:

ClinVar aggregate classification (germline): Uncertain significance. Review status: criteria provided, multiple submitters, no conflicts (2 of 4 stars). 2 submissions from 2 submitters: Uncertain significance (2). Last evaluated 2021-09-24.

Conditions:
Retinitis pigmentosa (RP). Identifiers: Orphanet 791, MedGen C0035334, MeSH D012174, MONDO:0019200, OMIM 268000. Inheritance: Autosomal dominant, autosomal recessive and X linked inheritance.

Allele frequency attached by ClinVar (database versions not stated): gnomAD exomes below 0.00001; gnomAD 0.00001; TOPMed 0.00002.
gnomAD v4.1: 3 of 1,612,364 alleles (0.00019%); highest among the groups gnomAD compares: African/African-American, 0.0013%; no homozygotes.

Submissions (2):

Labcorp Genetics (formerly Invitae), Labcorp
Classification: Uncertain significance. Last evaluated: 2021-09-24. Review status: criteria provided, single submitter. Criteria: Invitae Variant Classification Sherloc (09022015). Collection method: clinical testing. Allele origin: germline.
Comment: This sequence change replaces serine with asparagine at codon 271 of the EYS protein (p.Ser271Asn). The serine residue is weakly conserved and there is a small physicochemical difference between serine and asparagine. This variant is not present in population databases (ExAC no frequency). This variant has not been reported in the literature in individuals with EYS-related conditions. Algorithms developed to predict the effect of missense changes on protein structure and function (SIFT, PolyPhen-2, Align-GVGD) all suggest that this variant is likely to be tolerated, but these predictions have not been confirmed by published functional studies and their clinical significance is uncertain. In summary, the available evidence is currently insufficient to determine the role of this variant in disease. Therefore, it has been classified as a Variant of Uncertain Significance.

Illumina Laboratory Services, Illumina
Classification: Uncertain significance for Retinitis pigmentosa. Last evaluated: 2018-01-13. Review status: criteria provided, single submitter. Criteria: ICSL Variant Classification Criteria 13 December 2019. Collection method: clinical testing. Allele origin: germline.

NM_001142800.2(EYS):c.812G>A (p.Ser271Asn)

Gene: EYS (EGF-like photoreceptor maintenance factor; minus strand). Cytogenetic location: 6q12.
Variant type: single nucleotide variant.
Coding change: c.812G>A on transcript NM_001142800.2 (MANE Select); coding-DNA position 812, G replaced by A.
Protein change: p.Ser271Asn; replaces serine 271 with asparagine.
Molecular consequence: missense variant.
Genome position (GRCh38, 1-based): chr6:65,490,644, C>T on the plus strand (G>A on the coding strand, the complement: EYS is on the minus strand). VCF-style: chr6-65490644-C-T. GRCh37 (hg19) VCF-style: chr6-66200537-C-T.
Other names: c.812G>A, p.Ser271Asn (NM_001142801.2, NM_001292009.2, NM_198283.2); short protein forms S271N.
Identifiers: ClinVar variation 908050 (VCV000908050.8), dbSNP rs1390616909, ClinGen allele CA364789061.